The following is an entry in ClinVar:

NM_000059.4(BRCA2):c.8479_8485del (p.Pro2827fs)

Gene: BRCA2 (BRCA2 DNA repair associated; plus strand). Cytogenetic location: 13q13.1.
Variant type: Deletion.
Coding change: c.8479_8485del on transcript NM_000059.4 (MANE Select); coding-DNA positions 8479 to 8485, 7 bases deleted (CCTATAC; older notation c.8479_8485delCCTATAC).
Protein change: p.Pro2827fs; shifts the reading frame from proline 2827.
Molecular consequence: frameshift variant. On other transcripts: non-coding transcript variant (1).
Genome position (GRCh38, 1-based): chr13:32,370,549-32,370,555, CCTATAC deleted; deleting any 7 consecutive bases within chr13:32,370,545-32,370,555 gives the same sequence; the c. name uses the placement nearest the transcript's 3' end. VCF-style (leftmost placement, unchanged base first): chr13-32370544-CATACCCT-C. GRCh37 (hg19) VCF-style: chr13-32944681-CATACCCT-C.
Other names: c.8383_8389del, p.Pro2795fs (NM_001406719.1); c.8479_8485del, p.Pro2827fs (NM_001406720.1, NM_001432077.1); c.3547_3553del, p.Pro1183fs (NM_001406721.1); c.2062_2068del, p.Pro688fs (NM_001406722.1); short protein forms P2827fs, P688fs, P2795fs, P1183fs.
Identifiers: ClinVar variation 3646432 (VCV003646432.2).
Genomic context (GRCh38, chr13:32,370,544, plus strand): 5'-TATCATCGCTTTTCAGTGATGGAGGAAATGTTGGTTGTGTTGATGTAATTATTCAAAGAG[CATACCCT>C]ATACAGGTATGATGTATTCTTGAAACTTACCATATATTTCTTTCTTTTGATACAATTAAT-3'

ClinVar aggregate classification (germline): Pathogenic (1 of 4 stars; one submission).

Conditions:
Hereditary breast ovarian cancer syndrome. Also called: Hereditary breast and ovarian cancer syndrome (HBOC); Hereditary breast and ovarian cancer; BRCA1- and BRCA2-Associated Hereditary Breast and Ovarian Cancer; Hereditary breast and ovarian cancer syndrome; Hereditary breast and/or ovarian cancer syndrome; Breast and ovarian cancer. Identifiers: Orphanet 145, MedGen C0677776, MeSH D061325, MONDO:0003582. Disease mechanism: loss of function.

Submission:

Labcorp Genetics (formerly Invitae), Labcorp
Classification: Pathogenic for Hereditary breast ovarian cancer syndrome. Last evaluated: 2024-03-17. Review status: criteria provided, single submitter. Criteria: Invitae Variant Classification Sherloc (09022015). Collection method: clinical testing. Allele origin: germline.
Comment: This sequence change creates a premature translational stop signal (p.Pro2827Serfs*34) in the BRCA2 gene. It is expected to result in an absent or disrupted protein product. Loss-of-function variants in BRCA2 are known to be pathogenic (PMID: 20104584). This variant is not present in population databases (gnomAD no frequency). This variant has not been reported in the literature in individuals affected with BRCA2-related conditions. For these reasons, this variant has been classified as Pathogenic.

Literature cited by the submitters: PubMed 20104584.